The following is an entry in ClinVar:

ClinVar aggregate classification (germline): Benign/Likely benign. Review status: criteria provided, multiple submitters, no conflicts (2 of 4 stars). 4 submissions from 3 submitters: Benign (2); Likely benign (2). Last evaluated 2021-05-24.

Conditions:
Optic atrophy 3 (OPA3). Also called: OPTIC ATROPHY 3, AUTOSOMAL DOMINANT; Optic atrophy, cataract, and neurologic disorder; Optic atrophy 3 with cataract. Identifiers: Orphanet 67036, MedGen C1833809, MONDO:0008133, OMIM 165300.
3-Methylglutaconic aciduria type 3 (MGCA3). Also called: OPA3, AUTOSOMAL RECESSIVE; OPTIC ATROPHY 3, AUTOSOMAL RECESSIVE; Costeff Syndrome; OPA3-Related 3-Methylglutaconic Aciduria. Identifiers: Orphanet 67047, MedGen C0574084, MONDO:0009787, OMIM 258501.

Allele frequency attached by ClinVar (database versions not stated): gnomAD 0.04300 and 0.04622; TOPMed 0.05240; 1000 Genomes Project 0.09425.
gnomAD v4.1: 11,353 of 475,044 alleles (2.4%); highest among the groups gnomAD compares: East Asian, 20%; 363 homozygotes.

Submissions (4):

GeneDx
Classification: Likely benign. Last evaluated: 2021-05-24. Review status: criteria provided, single submitter. Criteria: GeneDx Variant Classification Process June 2021. Collection method: clinical testing. Allele origin: germline. Affected: yes.

Illumina Laboratory Services, Illumina
Classification: Benign for Optic atrophy 3. Last evaluated: 2018-01-13. Review status: criteria provided, single submitter. Criteria: ICSL Variant Classification Criteria 13 December 2019. Collection method: clinical testing. Allele origin: germline.
Comment: This variant was observed in the ICSL laboratory as part of a predisposition screen in an ostensibly healthy population. It had not been previously curated by ICSL or reported in the Human Gene Mutation Database (HGMD: prior to June 1st, 2018), and was therefore a candidate for classification through an automated scoring system. Utilizing variant allele frequency, disease prevalence and penetrance estimates, and inheritance mode, an automated score was calculated to assess if this variant is too frequent to cause the disease. Based on the score and internal cut-off values, a variant classified as benign is not then subjected to further curation. The score for this variant resulted in a classification of benign for this disease.

Illumina Laboratory Services, Illumina
Classification: Benign for 3-Methylglutaconic aciduria type 3. Last evaluated: 2018-01-13. Review status: criteria provided, single submitter. Criteria: ICSL Variant Classification Criteria 13 December 2019. Collection method: clinical testing. Allele origin: germline.
Comment: the same text as in the submission from Illumina Laboratory Services, Illumina above.

Breakthrough Genomics
Classification: Likely benign. Review status: criteria provided, single submitter. Criteria: ACMG Guidelines, 2015. Collection method: not provided. Allele origin: germline. Inheritance: Autosomal recessive inheritance. Affected: yes.

NM_025136.4(OPA3):c.*7015G>A

Genes: OPA3 (outer mitochondrial membrane lipid metabolism regulator OPA3; minus strand), OPA3-RTN2 (OPA3-RTN2 readthrough; minus strand). Cytogenetic location: 19q13.32.
Variant type: single nucleotide variant.
Coding change: c.*7015G>A on transcript NM_025136.4 (MANE Select); 7015 bases downstream of the stop codon, G replaced by A.
Molecular consequence: 3 prime UTR variant. On other transcripts: intron variant (1).
Genome position (GRCh38, 1-based): chr19:45,546,499, C>T on the plus strand (G>A on the coding strand, the complement: OPA3 is on the minus strand). VCF-style: chr19-45546499-C-T. GRCh37 (hg19) VCF-style: chr19-46049757-C-T.
Other names: c.143-17043G>A (NM_001017989.3).
Identifiers: ClinVar variation 329554 (VCV000329554.7), dbSNP rs112948303, ClinGen allele CA10652553.